The following is an entry in ClinVar:

NM_000283.4(PDE6B):c.2170A>C (p.Lys724Gln)

Gene: PDE6B (phosphodiesterase 6B; plus strand). Cytogenetic location: 4p16.3.
Variant type: single nucleotide variant.
Coding change: c.2170A>C on transcript NM_000283.4 (MANE Select); coding-DNA position 2170, A replaced by C.
Protein change: p.Lys724Gln; replaces lysine 724 with glutamine.
Molecular consequence: missense variant.
Genome position (GRCh38, 1-based): chr4:664,921, A>C. VCF-style: chr4-664921-A-C. GRCh37 (hg19) VCF-style: chr4-658710-A-C.
Other names: NC_000004.11:g.658710A>C; NP_000274.2:p.(Lys724Gln); c.2170A>C, p.Lys724Gln (NM_001145291.2); c.1333A>C, p.Lys445Gln (NM_001145292.2, NM_001350154.3, NM_001379246.1 and 1 more transcripts); c.1015A>C, p.Lys339Gln (NM_001350155.3); short protein forms K339Q, K445Q, K724Q.
Identifiers: ClinVar variation 3381814 (VCV003381814.2).

ClinVar aggregate classification (germline): Likely pathogenic (1 of 4 stars; one submission).

Conditions:
Retinal dystrophy. Also called: Inherited retinal dystrophy. Identifiers: Orphanet 71862, MedGen C0854723, MeSH D058499, MONDO:0019118, HP:0000556.

gnomAD v4.1: 1 of 1,613,210 alleles (0.000062%); highest among the groups gnomAD compares: Non-Finnish European, 0.000085%; no homozygotes.

Submission:

Ophthalmic Genetics Group, Institute of Molecular and Clinical Ophthalmology Basel
Classification: Likely pathogenic for Retinal dystrophy. Last evaluated: 2024-05-27. Review status: criteria provided, single submitter. Criteria: ACMG Guidelines, 2015. Collection method: research. Allele origin: germline. Affected: yes. Observed: 6 variant alleles.
Comment: This variant was classified as Likely pathogenic based on ACMG criteria: PP3_Sup, PM1_sup, PM2_sup and PP1_strong

Literature cited by the submitters: PubMed 40180963.